The following is an entry in ClinVar:

NM_147191.1(MMP21):c.653C>G (p.Ala218Gly)

Gene: MMP21 (matrix metallopeptidase 21; minus strand). Cytogenetic location: 10q26.2.
Variant type: single nucleotide variant.
Coding change: c.653C>G on transcript NM_147191.1 (MANE Select); coding-DNA position 653, C replaced by G.
Protein change: p.Ala218Gly; replaces alanine 218 with glycine.
Molecular consequence: missense variant.
Genome position (GRCh38, 1-based): chr10:125,773,875, G>C on the plus strand (C>G on the coding strand, the complement: MMP21 is on the minus strand). VCF-style: chr10-125773875-G-C. GRCh37 (hg19) VCF-style: chr10-127462444-G-C.
Other names: short protein forms A218G.
Identifiers: ClinVar variation 2574499 (VCV002574499.1), dbSNP rs1850480795, ClinGen allele CA378681026.

ClinVar aggregate classification (germline): Uncertain significance (1 of 4 stars; one submission).

gnomAD v4.1: 2 of 1,571,116 alleles (0.00013%); highest among the groups gnomAD compares: Non-Finnish European, 0.00017%; no homozygotes.

Submission:

GeneDx
Classification: Uncertain significance. Last evaluated: 2023-01-29. Review status: criteria provided, single submitter. Criteria: GeneDx Variant Classification Process June 2021. Collection method: clinical testing. Allele origin: germline. Affected: yes.
Comment: Not observed at significant frequency in large population cohorts (gnomAD); In silico analysis supports that this missense variant does not alter protein structure/function; Has not been previously published as pathogenic or benign to our knowledge